The following is an entry in ClinVar:

NM_019098.5(CNGB3):c.1369G>A (p.Ala457Thr)

Gene: CNGB3 (cyclic nucleotide gated channel subunit beta 3; minus strand). Cytogenetic location: 8q21.3.
Variant type: single nucleotide variant.
Coding change: c.1369G>A on transcript NM_019098.5 (MANE Select); coding-DNA position 1369, G replaced by A.
Protein change: p.Ala457Thr; replaces alanine 457 with threonine.
Molecular consequence: missense variant.
Genome position (GRCh38, 1-based): chr8:86,629,030, C>T on the plus strand (G>A on the coding strand, the complement: CNGB3 is on the minus strand). VCF-style: chr8-86629030-C-T. GRCh37 (hg19) VCF-style: chr8-87641258-C-T.
Other names: short protein forms A457T.
Identifiers: ClinVar variation 833680 (VCV000833680.13), dbSNP rs192568942, ClinGen allele CA4800040.

ClinVar aggregate classification (germline): Conflicting classifications of pathogenicity. Review status: criteria provided, conflicting classifications (1 of 4 stars). 4 submissions from 4 submitters: Uncertain significance (1); Likely benign (2). 1 of the submissions does not count toward it. Last evaluated 2026-01-24.

Conditions:
CNGB3-related disorder. Also called: CNGB3-related condition; CNGB3-related disorders. Identifiers: MedGen CN239340.
Achromatopsia. Also called: Rod monochromatism. Identifiers: Orphanet 49382, MedGen C0152200, MONDO:0018852, HP:0011516.

Allele frequency attached by ClinVar (database versions not stated): gnomAD 0.00011 and 0.00012; TOPMed 0.00014; gnomAD exomes 0.00015 and 0.00021; ExAC 0.00016; 1000 Genomes Project 0.00040; 1000 Genomes Project 30x 0.00047.
gnomAD v4.1: 239 of 1,614,028 alleles (0.015%); highest among the groups gnomAD compares: East Asian, 0.33%; 1 homozygote.

Submissions (4):

Labcorp Genetics (formerly Invitae), Labcorp
Classification: Likely benign. Last evaluated: 2026-01-24. Review status: criteria provided, single submitter. Criteria: Invitae Variant Classification Sherloc (09022015). Collection method: clinical testing. Allele origin: germline.

PreventionGenetics, part of Exact Sciences
Classification: Likely benign for CNGB3-related condition. Last evaluated: 2024-12-19. Review status: criteria provided, single submitter. Criteria: ACMG Guidelines, 2015. Collection method: clinical testing. Allele origin: germline.
Comment: This variant is classified as likely benign based on ACMG/AMP sequence variant interpretation guidelines (Richards et al. 2015 PMID: 25741868, with internal and published modifications).

Blueprint Genetics
Classification: Uncertain significance. Last evaluated: 2022-02-21. Review status: criteria provided, single submitter. Criteria: ACMG Guidelines, 2015. Collection method: clinical testing. Allele origin: germline.

Natera, Inc.
Classification: Uncertain significance for Achromatopsia. Last evaluated: 2020-01-11. Review status: no assertion criteria provided. Collection method: clinical testing. Allele origin: germline. Not counted in ClinVar's aggregate classification.